The following is an entry in ClinVar:

NM_001943.5(DSG2):c.221A>G (p.His74Arg)

Gene: DSG2 (desmoglein 2; plus strand). Cytogenetic location: 18q12.1.
Variant type: single nucleotide variant.
Coding change: c.221A>G on transcript NM_001943.5 (MANE Select); coding-DNA position 221, A replaced by G.
Protein change: p.His74Arg; replaces histidine 74 with arginine.
Molecular consequence: missense variant.
Genome position (GRCh38, 1-based): chr18:31,520,807, A>G. VCF-style: chr18-31520807-A-G. GRCh37 (hg19) VCF-style: chr18-29100770-A-G.
Other names: short protein forms H74R.
Identifiers: ClinVar variation 227340 (VCV000227340.34), dbSNP rs201855245, ClinGen allele CA045263.

ClinVar aggregate classification (germline): Conflicting classifications of pathogenicity. Review status: criteria provided, conflicting classifications (1 of 4 stars). 12 submissions from 12 submitters: Uncertain significance (1); Likely benign (7). 4 of the submissions do not count toward it. Last evaluated 2026-02-02.

Conditions:
DSG2-related disorder. Also called: DSG2-related condition.
Cardiomyopathy (CMYO). Also called: Cardiomyopathies. Identifiers: Orphanet 167848, MedGen C0878544, MONDO:0004994, HP:0001638. Inheritance: Various modes of inheritance.
Arrhythmogenic right ventricular dysplasia 10. Also called: ARRHYTHMOGENIC RIGHT VENTRICULAR DYSPLASIA, FAMILIAL, 10; Arrhythmogenic right ventricular dysplasia/cardiomyopathy, type 10; Arrhythmogenic Right Ventricular Dysplasia/Cardiomyopathy10. Identifiers: MedGen C1857777, MONDO:0012434, OMIM 610193.
Cardiovascular phenotype. Identifiers: MedGen CN230736.

Allele frequency attached by ClinVar (database versions not stated): gnomAD exomes 0.00009 and 0.00021; ExAC 0.00024; 1000 Genomes Project 30x 0.00094; gnomAD 0.00097 and 0.00104; 1000 Genomes Project 0.00100; ESP Exome Variant Server 0.00102; TOPMed 0.00108.
gnomAD v4.1: 277 of 1,613,584 alleles (0.017%); highest among the groups gnomAD compares: African/African-American, 0.33%; no homozygotes.

Submissions (12):

Labcorp Genetics (formerly Invitae), Labcorp
Classification: Likely benign for Arrhythmogenic right ventricular dysplasia 10. Last evaluated: 2026-02-02. Review status: criteria provided, single submitter. Criteria: Invitae Variant Classification Sherloc (09022015). Collection method: clinical testing. Allele origin: germline.

Molecular Diagnostic Laboratory for Inherited Cardiovascular Disease, Montreal Heart Institute
Classification: Likely benign. Last evaluated: 2025-04-09. Review status: criteria provided, single submitter. Criteria: ACMG Guidelines, 2015. Collection method: clinical testing. Allele origin: germline. Affected: no.
Comment: BS1;BP4

Women's Health and Genetics/Laboratory Corporation of America, LabCorp
Classification: Likely benign. Last evaluated: 2023-08-19. Review status: criteria provided, single submitter. Criteria: LabCorp Variant Classification Summary - May 2015. Collection method: clinical testing. Allele origin: germline.

GeneDx
Classification: Likely benign. Last evaluated: 2020-08-11. Review status: criteria provided, single submitter. Criteria: GeneDx Variant Classification Process June 2021. Collection method: clinical testing. Allele origin: germline. Affected: yes.

Ambry Genetics
Classification: Likely benign for Cardiovascular phenotype. Last evaluated: 2019-03-14. Review status: criteria provided, single submitter. Criteria: Ambry Variant Classification Scheme 2023. Collection method: clinical testing. Allele origin: germline.

Color Diagnostics, LLC DBA Color Health
Classification: Likely benign for Cardiomyopathy. Last evaluated: 2018-11-26. Review status: criteria provided, single submitter. Criteria: ACMG Guidelines, 2015. Collection method: clinical testing. Allele origin: germline.

CHEO Genetics Diagnostic Laboratory, Children's Hospital of Eastern Ontario
Classification: Uncertain significance for Cardiomyopathy. Last evaluated: 2015-09-17. Review status: criteria provided, single submitter. Criteria: ACMG Guidelines, 2015. Collection method: clinical testing. Allele origin: germline. Study: Canadian Open Genetics Repository.

Laboratory for Molecular Medicine, Mass General Brigham Personalized Medicine
Classification: Likely benign. Last evaluated: 2012-03-19. Review status: criteria provided, single submitter. Criteria: LMM Criteria. Collection method: clinical testing. Allele origin: germline. Observed: 1 variant allele.
Comment: p.His74Arg in exon 4 of DSG2: This variant is not expected to have clinical sign ificance because it has been identified in 0.3% (10/2898) of African American ch romosomes from a broad population by the NHLBI Exome Sequencing Project.

PreventionGenetics, part of Exact Sciences
Classification: Likely benign for DSG2-related condition. Last evaluated: 2019-11-26. Review status: no assertion criteria provided. Collection method: clinical testing. Allele origin: germline. Not counted in ClinVar's aggregate classification.
Comment: This variant is classified as likely benign based on ACMG/AMP sequence variant interpretation guidelines (Richards et al. 2015 PMID: 25741868, with internal and published modifications).

Clinical Genetics, Academic Medical Center
Classification: Likely benign. Review status: no assertion criteria provided. Collection method: clinical testing. Allele origin: germline. Affected: yes. Study: VKGL Data-share Consensus. Not counted in ClinVar's aggregate classification.

Diagnostic Laboratory, Department of Genetics, University Medical Center Groningen
Classification: Likely benign. Review status: no assertion criteria provided. Collection method: clinical testing. Allele origin: germline. Affected: yes. Study: VKGL Data-share Consensus. Not counted in ClinVar's aggregate classification.

Genome Diagnostics Laboratory, University Medical Center Utrecht
Classification: Likely benign. Review status: no assertion criteria provided. Collection method: clinical testing. Allele origin: germline. Affected: yes. Study: VKGL Data-share Consensus. Not counted in ClinVar's aggregate classification.